The following is an entry in ClinVar:

NM_000440.3(PDE6A):c.531C>G (p.Ile177Met)

Gene: PDE6A (phosphodiesterase 6A; minus strand). Cytogenetic location: 5q32.
Variant type: single nucleotide variant.
Coding change: c.531C>G on transcript NM_000440.3 (MANE Select); coding-DNA position 531, C replaced by G.
Protein change: p.Ile177Met; replaces isoleucine 177 with methionine.
Molecular consequence: missense variant.
Genome position (GRCh38, 1-based): chr5:149,934,662, G>C on the plus strand (C>G on the coding strand, the complement: PDE6A is on the minus strand). VCF-style: chr5-149934662-G-C. GRCh37 (hg19) VCF-style: chr5-149314225-G-C.
Other names: short protein forms I177M.
Identifiers: ClinVar variation 2121473 (VCV002121473.1), dbSNP rs2480687297, ClinGen allele CA361698478.

ClinVar aggregate classification (germline): Uncertain significance (1 of 4 stars; one submission).

Submission:

Labcorp Genetics (formerly Invitae), Labcorp
Classification: Uncertain significance. Last evaluated: 2022-04-04. Review status: criteria provided, single submitter. Criteria: Invitae Variant Classification Sherloc (09022015). Collection method: clinical testing. Allele origin: germline.
Comment: This sequence change replaces isoleucine, which is neutral and non-polar, with methionine, which is neutral and non-polar, at codon 177 of the PDE6A protein (p.Ile177Met). This variant is not present in population databases (gnomAD no frequency). This variant has not been reported in the literature in individuals affected with PDE6A-related conditions. Algorithms developed to predict the effect of missense changes on protein structure and function are either unavailable or do not agree on the potential impact of this missense change (SIFT: "Deleterious"; PolyPhen-2: "Benign"; Align-GVGD: "Class C0"). In summary, the available evidence is currently insufficient to determine the role of this variant in disease. Therefore, it has been classified as a Variant of Uncertain Significance.